The following is an entry in ClinVar:

ClinVar aggregate classification (germline): Uncertain significance. Review status: criteria provided, multiple submitters, no conflicts (2 of 4 stars). 3 submissions from 3 submitters: Uncertain significance (3). Last evaluated 2025-05-14.

Allele frequency attached by ClinVar (database versions not stated): gnomAD exomes 0.00004; ExAC 0.00007; ESP Exome Variant Server 0.00016; gnomAD 0.00016; TOPMed 0.00018; 1000 Genomes Project 0.00040; 1000 Genomes Project 30x 0.00047.

Submissions (3):

Labcorp Genetics (formerly Invitae), Labcorp
Classification: Uncertain significance. Last evaluated: 2025-05-14. Review status: criteria provided, single submitter. Criteria: Invitae Variant Classification Sherloc (09022015). Collection method: clinical testing. Allele origin: germline.
Comment: This sequence change replaces glutamic acid, which is acidic and polar, with lysine, which is basic and polar, at codon 117 of the FUK protein (p.Glu117Lys). This variant is present in population databases (rs199882992, gnomAD 0.05%). This variant has not been reported in the literature in individuals affected with FUK-related conditions. ClinVar contains an entry for this variant (Variation ID: 2171053). An algorithm developed to predict the effect of missense changes on protein structure and function (PolyPhen-2) suggests that this variant is likely to be tolerated. In summary, the available evidence is currently insufficient to determine the role of this variant in disease. Therefore, it has been classified as a Variant of Uncertain Significance.

Ambry Genetics
Classification: Uncertain significance. Last evaluated: 2025-04-03. Review status: criteria provided, single submitter. Criteria: Ambry Variant Classification Scheme 2023. Collection method: clinical testing. Allele origin: germline.

CeGaT Center for Human Genetics Tuebingen
Classification: Uncertain significance. Last evaluated: 2024-07-01. Review status: criteria provided, single submitter. Criteria: CeGaT Center For Human Genetics Tuebingen Variant Classification Criteria Version 2. Collection method: clinical testing. Allele origin: germline. Affected: yes. Observed: 1 variant allele.
Comment: FCSK: PM2, BP4

NM_145059.3(FCSK):c.349G>A (p.Glu117Lys)

Gene: FCSK (fucose kinase; plus strand). Cytogenetic location: 16q22.1.
Variant type: single nucleotide variant.
Coding change: c.349G>A on transcript NM_145059.3 (MANE Select); coding-DNA position 349, G replaced by A.
Protein change: p.Glu117Lys; replaces glutamic acid 117 with lysine.
Molecular consequence: missense variant.
Genome position (GRCh38, 1-based): chr16:70,466,195, G>A. VCF-style: chr16-70466195-G-A. GRCh37 (hg19) VCF-style: chr16-70500098-G-A.
Other names: c.349G>A (NM_145059.2); short protein forms E117K.
Identifiers: ClinVar variation 2171053 (VCV002171053.22), dbSNP rs199882992, ClinGen allele CA8142857.
Genomic context (GRCh38, chr16:70,466,195, plus strand): 5'-CGAGACTTCCCCTTTGATGACTGTGGCAGGGCTTTCACCTGCCTCCCCGTGGAGAACCCC[G>A]AGGCCCCCGTGGAAGCCTTGGTCTGCAACCTGGACTGCCTGCTGGACATCATGACCTATC-3'
Protein context (NP_659496.2, residues 107-127): AFTCLPVENP[Glu117Lys]APVEALVCNL